The following is an entry in ClinVar:

ClinVar aggregate classification (germline): Uncertain significance (1 of 4 stars; one submission).

Allele frequency attached by ClinVar (database versions not stated): gnomAD exomes 0.00001.

Submission:

Labcorp Genetics (formerly Invitae), Labcorp
Classification: Uncertain significance. Last evaluated: 2025-04-02. Review status: criteria provided, single submitter. Criteria: Invitae Variant Classification Sherloc (09022015). Collection method: clinical testing. Allele origin: germline.
Comment: This sequence change replaces valine, which is neutral and non-polar, with alanine, which is neutral and non-polar, at codon 871 of the DCHS1 protein (p.Val871Ala). This variant is not present in population databases (gnomAD no frequency). This variant has not been reported in the literature in individuals affected with DCHS1-related conditions. ClinVar contains an entry for this variant (Variation ID: 2127670). Invitae Evidence Modeling of protein sequence and biophysical properties (such as structural, functional, and spatial information, amino acid conservation, physicochemical variation, residue mobility, and thermodynamic stability) indicates that this missense variant is not expected to disrupt DCHS1 protein function with a negative predictive value of 80%. In summary, the available evidence is currently insufficient to determine the role of this variant in disease. Therefore, it has been classified as a Variant of Uncertain Significance.

NM_003737.4(DCHS1):c.2612T>C (p.Val871Ala)

Gene: DCHS1 (dachsous cadherin-related 1; minus strand). Cytogenetic location: 11p15.4.
Variant type: single nucleotide variant.
Coding change: c.2612T>C on transcript NM_003737.4 (MANE Select); coding-DNA position 2612, T replaced by C.
Protein change: p.Val871Ala; replaces valine 871 with alanine.
Molecular consequence: missense variant.
Genome position (GRCh38, 1-based): chr11:6,632,900, A>G on the plus strand (T>C on the coding strand, the complement: DCHS1 is on the minus strand). VCF-style: chr11-6632900-A-G. GRCh37 (hg19) VCF-style: chr11-6654131-A-G.
Other names: short protein forms V871A.
Identifiers: ClinVar variation 2127670 (VCV002127670.4), dbSNP rs1855934701, ClinGen allele CA379420352.
Genomic context (GRCh38, chr11:6,632,900, plus strand): 5'-GAGTTGTCATTCACATCATCCAGCAGCACACGCACCCGAGCTACAGCGAAAGCTGGGGGC[A>G]CTCCACTGCCTGCTCGCACCTCCAGCTCCAACACTGGTCCCAGTAGCTCCCGGTCCAGAG-3'
Protein context (NP_003728.1, residues 861-881): LELEVRAGSG[Val871Ala]PPAFAVARVR